The following is an entry in ClinVar:

NM_003242.6(TGFBR2):c.1524G>A (p.Gln508=)

Gene: TGFBR2 (transforming growth factor beta receptor 2; plus strand). Cytogenetic location: 3p24.1.
Variant type: single nucleotide variant.
Coding change: c.1524G>A on transcript NM_003242.6 (MANE Select); coding-DNA position 1524, G replaced by A.
Protein change: p.Gln508=; no amino-acid change (glutamine 508 retained).
Molecular consequence: synonymous variant.
Genome position (GRCh38, 1-based): chr3:30,688,511, G>A. VCF-style: chr3-30688511-G-A. GRCh37 (hg19) VCF-style: chr3-30730003-G-A.
Other names: Q508Q; c.1599G>A, p.Gln533= (NM_001024847.3); c.1707G>A, p.Gln569= (NM_001407126.1); c.1632G>A, p.Gln544= (NM_001407127.1); c.1551G>A, p.Gln517= (NM_001407128.1); c.1527G>A, p.Gln509= (NM_001407129.1); c.1521G>A, p.Gln507= (NM_001407130.1); c.1419G>A, p.Gln473= (NM_001407132.1, NM_001407133.1, NM_001407134.1 and 2 more transcripts); and 3 more.
Identifiers: ClinVar variation 12504 (VCV000012504.4), dbSNP rs121918715, ClinGen allele CA020701.

ClinVar aggregate classification (germline): Pathogenic. Review status: criteria provided, single submitter (1 of 4 stars). 2 submissions from 2 submitters: Pathogenic (1). 1 of the submissions does not count toward it. Last evaluated 2017-08-01.

Conditions:
Loeys-Dietz syndrome 2 (LDS2). Also called: TGFBR2-Related Loeys-Dietz Syndrome; AORTIC ANEURYSM, FAMILIAL THORACIC 3; MARFAN SYNDROME, TYPE II; Marfan syndrome, type 2 (formerly); Marfan Syndrome type 2; Marfan like connective tissue disorder. Identifiers: Orphanet 284973, Orphanet 558, MedGen C2674574, MONDO:0012427, OMIM 610168.

Submissions (2):

Center for Genomics, Ann and Robert H. Lurie Children's Hospital of Chicago
Classification: Pathogenic for Loeys-Dietz syndrome 2. Last evaluated: 2017-08-01. Review status: criteria provided, single submitter. Criteria: ACMG Guidelines, 2015. Collection method: clinical testing. Allele origin: germline.
Comment: TGFBR2 NM_001024847.2 exon7 p.Gln533Gln (c.1599G>A): This variant has been reported in the literature in 1 individual with clinical suspicion of Marfan/Loeys-Dietz syndrome (reported as Marfan Syndrome type 2), segregating with disease in 11 affected family members (reported as p.Gln508Gln, Mizguchi 2004 PMID:15235604). This variant is not present in large control databases. Evolutionary conservation and computational predictive tools for this variant are limited or unavailable. Although this variant is "silent" and is not predicted to alter the amino acid, functional studies have indicated that this variant affects splicing (Mizguchi 2004 PMID:15235604). In summary, this variant is classified as pathogenic based on the data above (segregation studies, absence from controls, predicted impact to protein).

OMIM
Classification: Pathogenic for LOEYS-DIETZ SYNDROME 2. Last evaluated: 2004-08-01. Review status: no assertion criteria provided. Collection method: literature only. Allele origin: germline. Not counted in ClinVar's aggregate classification.

Literature cited by the submitters: PubMed 8317497 (cited by OMIM); PubMed 15235604 (cited by OMIM).